The following is an entry in ClinVar:

ClinVar aggregate classification (germline): Uncertain significance. Review status: criteria provided, multiple submitters, no conflicts (2 of 4 stars). 2 submissions from 2 submitters: Uncertain significance (2). Last evaluated 2026-01-06.

Conditions:
Choanal atresia-athelia-hypothyroidism-delayed puberty-short stature syndrome (BCAHH). Also called: BRANCHIAL ARCH ABNORMALITIES, CHOANAL ATRESIA, ATHELIA, HEARING LOSS, AND HYPOTHYROIDISM SYNDROME. Identifiers: Orphanet 589856, MedGen C5680310, MONDO:0035651, OMIM 620186.
Kabuki syndrome 1 (KABUK1). Also called: KMT2D-Related Kabuki Syndrome. Identifiers: Orphanet 2322, MedGen CN030661, MONDO:0007843, OMIM 147920.
Kabuki syndrome. Also called: NIIKAWA-KUROKI SYNDROME; Kabuki make-up syndrome. Identifiers: Orphanet 2322, MedGen C0796004, MONDO:0016512.

gnomAD v4.1: 1 of 1,605,414 alleles (0.000062%); no homozygotes.

Submissions (2):

Labcorp Genetics (formerly Invitae), Labcorp
Classification: Uncertain significance for Kabuki syndrome. Last evaluated: 2026-01-06. Review status: criteria provided, single submitter. Criteria: Invitae Variant Classification Sherloc (09022015). Collection method: clinical testing. Allele origin: germline.
Comment: This sequence change replaces glycine, which is neutral and non-polar, with glutamic acid, which is acidic and polar, at codon 1286 of the KMT2D protein (p.Gly1286Glu). This variant is not present in population databases (gnomAD no frequency). This variant has not been reported in the literature in individuals affected with KMT2D-related conditions. ClinVar contains an entry for this variant (Variation ID: 3574820). Invitae Evidence Modeling of protein sequence and biophysical properties (such as structural, functional, and spatial information, amino acid conservation, physicochemical variation, residue mobility, and thermodynamic stability) indicates that this missense variant is not expected to disrupt KMT2D protein function with a negative predictive value of 95%. In summary, the available evidence is currently insufficient to determine the role of this variant in disease. Therefore, it has been classified as a Variant of Uncertain Significance.

Fulgent Genetics
Classification: Uncertain significance for Kabuki syndrome 1; Choanal atresia-athelia-hypothyroidism-delayed puberty-short stature syndrome. Last evaluated: 2024-04-01. Review status: criteria provided, single submitter. Criteria: ACMG Guidelines, 2015. Collection method: clinical testing. Allele origin: germline.

NM_003482.4(KMT2D):c.3857G>A (p.Gly1286Glu)

Genes: KMT2D (lysine methyltransferase 2D; minus strand), LOC126861520 (CDK7 strongly-dependent group 2 enhancer GRCh37_chr12:49442744-49443943; plus strand). Cytogenetic location: 12q13.12.
Variant type: single nucleotide variant.
Coding change: c.3857G>A on transcript NM_003482.4 (MANE Select); coding-DNA position 3857, G replaced by A.
Protein change: p.Gly1286Glu; replaces glycine 1286 with glutamic acid.
Molecular consequence: missense variant.
Genome position (GRCh38, 1-based): chr12:49,049,731, C>T on the plus strand (G>A on the coding strand, the complement: KMT2D is on the minus strand). VCF-style: chr12-49049731-C-T. GRCh37 (hg19) VCF-style: chr12-49443514-C-T.
Other names: short protein forms G1286E.
Identifiers: ClinVar variation 3574820 (VCV003574820.2).
Genomic context (GRCh38, chr12:49,049,731, plus strand): 5'-TAGCCCCTCACCTGTTTGATGCGGGAACGGGCTGGGGAGCTGCGCCGCCGCCCCTTCTCC[C>T]CCTCAGCTTTGCCTCCGCTGATAGCTGTCCCAGCATCGCACAATAGTGAGTCATCAGTCT-3'
Protein context (NP_003473.3, residues 1276-1296): GTAISGGKAE[Gly1286Glu]EKGRRRSSPA